The following is an entry in ClinVar:

ClinVar aggregate classification (germline): Pathogenic (3 of 4 stars; one submission).

Conditions:
Lynch syndrome. Identifiers: Orphanet 144, MedGen C4552100, MONDO:0005835. Disease mechanism: loss of function.

Submission:

International Society for Gastrointestinal Hereditary Tumours (InSiGHT)
Classification: Pathogenic for Lynch Syndrome. Last evaluated: 2013-09-05. Review status: reviewed by expert panel. Criteria: Guidelines v1.9. Collection method: research. Allele origin: germline.
Comment: Large deletion

Classified with v1.9 guidelines

NM_000535.5(PMS2):c.354-?_(*160_?)del

Gene: PMS2 (PMS1 homolog 2, mismatch repair system component; minus strand). Cytogenetic location: 7p22.1.
Variant type: Deletion.
Coding change: c.354-?_(*160_?)del on transcript NM_000535.5.
Other names: c.354-?_(*160_?)del (LRG_161t1).
Identifiers: ClinVar variation 91353 (VCV000091353.2).